The following is an entry in ClinVar:

NM_001039569.2(AP1S3):c.11T>G (p.Phe4Cys)

Gene: AP1S3 (adaptor related protein complex 1 subunit sigma 3; minus strand). Cytogenetic location: 2q36.1.
Variant type: single nucleotide variant.
Coding change: c.11T>G on transcript NM_001039569.2 (MANE Select); coding-DNA position 11, T replaced by G.
Protein change: p.Phe4Cys; replaces phenylalanine 4 with cysteine.
Molecular consequence: missense variant. On other transcripts: non-coding transcript variant (2).
Genome position (GRCh38, 1-based): chr2:223,777,862, A>C on the plus strand (T>G on the coding strand, the complement: AP1S3 is on the minus strand). VCF-style: chr2-223777862-A-C. GRCh37 (hg19) VCF-style: chr2-224642579-A-C.
Other names: short protein forms F4C.
Identifiers: ClinVar variation 160376 (VCV000160376.35), dbSNP rs116107386, ClinGen allele CA173990.
Genomic context (GRCh38, chr2:223,777,862, plus strand): 5'-GGGAGAGTGATGTACCATTTCTGTAGCCGTAATTTCCCTTGTCGACTGAAGAGCAATATG[A>C]AATGTATCTAGAACAAAGGACACAAAAAACAGAACCTGATCAACCAAGTCACTCTGCCGT-3'
Protein context (NP_001034658.1, residues 1-14): MIH[Phe4Cys]ILLFSRQGKL

ClinVar aggregate classification (germline): Benign/Likely benign. Review status: criteria provided, multiple submitters, no conflicts (2 of 4 stars). 4 submissions from 4 submitters: Benign (1); Likely benign (1). 2 of the submissions do not count toward it. Last evaluated 2026-09-01.

Conditions:
AP1S3-related disorder. Also called: AP1S3-related condition.
Psoriasis 15, pustular, susceptibility to (PSORS15). Identifiers: Orphanet 247353, MedGen C4015235, MONDO:0014494, OMIM 616106.

Allele frequency attached by ClinVar (database versions not stated): 1000 Genomes Project 30x 0.00297; 1000 Genomes Project 0.00300; gnomAD exomes 0.00759 and 0.01122; ExAC 0.00783; gnomAD 0.00851 and 0.00898; TOPMed 0.00881; ESP Exome Variant Server 0.00959.
gnomAD v4.1: 17,504 of 1,613,370 alleles (1.1%); highest among the groups gnomAD compares: Non-Finnish European, 1.3%; 127 homozygotes.

Submissions (4):

CeGaT Center for Human Genetics Tuebingen
Classification: Benign. Last evaluated: 2026-09-01. Review status: criteria provided, single submitter. Criteria: CeGaT Center For Human Genetics Tuebingen Variant Classification Criteria Version 2. Collection method: clinical testing. Allele origin: germline. Affected: yes. Observed: 18 variant alleles.
Comment: AP1S3: PP3, BS1, BS2

Fulgent Genetics
Classification: Likely benign for Psoriasis 15, pustular, susceptibility to. Last evaluated: 2024-05-10. Review status: criteria provided, single submitter. Criteria: ACMG Guidelines, 2015. Collection method: clinical testing. Allele origin: germline.

PreventionGenetics, part of Exact Sciences
Classification: Likely benign for AP1S3-related condition. Last evaluated: 2022-07-11. Review status: no assertion criteria provided. Collection method: clinical testing. Allele origin: germline. Not counted in ClinVar's aggregate classification.
Comment: This variant is classified as likely benign based on ACMG/AMP sequence variant interpretation guidelines (Richards et al. 2015 PMID: 25741868, with internal and published modifications).

OMIM
Classification: risk factor for PSORIASIS 15, PUSTULAR, SUSCEPTIBILITY TO. Last evaluated: 2014-05-01. Review status: no assertion criteria provided. Collection method: literature only. Allele origin: germline. Not counted in ClinVar's aggregate classification.

Literature cited by the submitters: PubMed 24791904 (cited by OMIM); PubMed 28887889 (cited by OMIM).